The following is an entry in ClinVar:

ClinVar aggregate classification (germline): Likely pathogenic (1 of 4 stars; one submission).

Conditions:
Inborn genetic diseases. Identifiers: MedGen C0950123, MeSH D030342.

Submission:

Ambry Genetics
Classification: Likely pathogenic for Inborn genetic diseases. Last evaluated: 2020-03-26. Review status: criteria provided, single submitter. Criteria: Ambry Variant Classification Scheme 2023. Collection method: clinical testing. Allele origin: germline.
Comment: The alteration results in a premature stop codon: _x000D_ _x000D_ The c.2071_2072delAAinsG (p.N691Vfs*44) alteration, located in exon 13 (coding exon 12) of the CTNNB1 gene, results from an in-frame deletion of 2 nucleotides and the insertion of 1 nucleotide from position 2071 to 2072, causing a translational frameshift with a predicted alternate stop codon after 44 amino acids. Frameshifts are typically deleterious in nature; however, this frameshift occurs at the 3' terminus of CTNNB1, is not expected to trigger nonsense-mediated mRNA decay, and a truncated mutant protein could still be expressed (Maquat, 2004). This alteration impacts the last 91 amino acids and the exact functional impact of these altered amino acids is unknown at this time; however, a de novo truncating alteration, c.2273del (p.H758Lfs*30), in CTNNB1 downstream of this alteration has been reported in the literature as disease-causing (Thevenon, 2016). The alteration is not observed in population databases: _x000D_ _x000D_ Based on data from the Genome Aggregation Database (gnomAD), the CTNNB1 c.2071_2072delAAinsG alteration was not observed, with coverage at this position. Based on the available evidence, this alteration is classified as likely pathogenic.

Literature cited by the submitters: PubMed 26757139.

NM_001904.4(CTNNB1):c.2071_2072delinsG (p.Asn691fs)

Gene: CTNNB1 (catenin beta 1; plus strand). Cytogenetic location: 3p22.1.
Variant type: Indel.
Coding change: c.2071_2072delinsG on transcript NM_001904.4 (MANE Select); coding-DNA positions 2071 to 2072, AA replaced by G.
Protein change: p.Asn691fs; shifts the reading frame from asparagine 691.
Molecular consequence: frameshift variant.
Genome position (GRCh38, 1-based): chr3:41,236,704-41,236,705, AA replaced by G. VCF-style: chr3-41236704-AA-G. GRCh37 (hg19) VCF-style: chr3-41278195-AA-G.
Other names: c.2071_2072delinsG, p.Asn691fs (NM_001098209.2, NM_001098210.2); c.2050_2051delinsG, p.Asn684fs (NM_001330729.2); short protein forms N684fs, N691fs.
Identifiers: ClinVar variation 2226686 (VCV002226686.2), dbSNP rs2470850103, ClinGen allele CA2580069833.
Genomic context (GRCh38, chr3:41,236,704, plus strand): 5'-AAGAAACGGCTTTCAGTTGAGCTGACCAGCTCTCTCTTCAGAACAGAGCCAATGGCTTGG[AA>G]TGAGGTAGGGAAATGTGAGCAGTTATTTATCTGGTAGTTTCCTAGAGCAGGTATGGCAGC-3'